The following is an entry in ClinVar:

NM_001164665.2(KIAA1549):c.2116A>G (p.Thr706Ala)

Gene: KIAA1549 (KIAA1549; minus strand). Cytogenetic location: 7q34.
Variant type: single nucleotide variant.
Coding change: c.2116A>G on transcript NM_001164665.2 (MANE Select); coding-DNA position 2116, A replaced by G.
Protein change: p.Thr706Ala; replaces threonine 706 with alanine.
Molecular consequence: missense variant.
Genome position (GRCh38, 1-based): chr7:138,917,510, T>C on the plus strand (A>G on the coding strand, the complement: KIAA1549 is on the minus strand). VCF-style: chr7-138917510-T-C. GRCh37 (hg19) VCF-style: chr7-138602256-T-C.
Other names: c.2116A>G, p.Thr706Ala (NM_020910.3); short protein forms T706A.
Identifiers: ClinVar variation 2070976 (VCV002070976.4), dbSNP rs374812296, ClinGen allele CA4506569.

ClinVar aggregate classification (germline): Uncertain significance (1 of 4 stars; one submission).

Allele frequency attached by ClinVar (database versions not stated): gnomAD exomes below 0.00001; ExAC 0.00001; gnomAD 0.00001; TOPMed 0.00001; ESP Exome Variant Server 0.00008.
gnomAD v4.1: 3 of 1,613,640 alleles (0.00019%); highest among the groups gnomAD compares: Non-Finnish European, 0.00017%; no homozygotes.

Submission:

Labcorp Genetics (formerly Invitae), Labcorp
Classification: Uncertain significance. Last evaluated: 2022-08-12. Review status: criteria provided, single submitter. Criteria: Invitae Variant Classification Sherloc (09022015). Collection method: clinical testing. Allele origin: germline.
Comment: In summary, the available evidence is currently insufficient to determine the role of this variant in disease. Therefore, it has been classified as a Variant of Uncertain Significance. Algorithms developed to predict the effect of missense changes on protein structure and function output the following: SIFT: "Deleterious"; PolyPhen-2: "Benign"; Align-GVGD: "Class C0". The alanine amino acid residue is found in multiple mammalian species, which suggests that this missense change does not adversely affect protein function. This variant has not been reported in the literature in individuals affected with KIAA1549-related conditions. This variant is present in population databases (rs374812296, gnomAD 0.0009%). This sequence change replaces threonine, which is neutral and polar, with alanine, which is neutral and non-polar, at codon 706 of the KIAA1549 protein (p.Thr706Ala).